The following is an entry in ClinVar:

ClinVar aggregate classification (germline): Conflicting classifications of pathogenicity. Review status: criteria provided, conflicting classifications (1 of 4 stars). 2 submissions from 2 submitters: Uncertain significance (1); Likely benign (1). Last evaluated 2024-07-27.

Conditions:
Inborn genetic diseases. Identifiers: MedGen C0950123, MeSH D030342.

Allele frequency attached by ClinVar (database versions not stated): 1000 Genomes Project 30x 0.00016.

Submissions (2):

Ambry Genetics
Classification: Likely benign for Inborn genetic diseases. Last evaluated: 2024-07-27. Review status: criteria provided, single submitter. Criteria: Ambry Variant Classification Scheme 2023. Collection method: clinical testing. Allele origin: germline.

Labcorp Genetics (formerly Invitae), Labcorp
Classification: Uncertain significance. Last evaluated: 2023-10-23. Review status: criteria provided, single submitter. Criteria: Invitae Variant Classification Sherloc (09022015). Collection method: clinical testing. Allele origin: germline.
Comment: This sequence change replaces proline, which is neutral and non-polar, with leucine, which is neutral and non-polar, at codon 1342 of the WHSC1 protein (p.Pro1342Leu). This variant is present in population databases (rs201619712, gnomAD 0.02%). This variant has not been reported in the literature in individuals affected with WHSC1-related conditions. Algorithms developed to predict the effect of missense changes on protein structure and function output the following: SIFT: "Not Available"; PolyPhen-2: "Not Available"; Align-GVGD: "Not Available". The leucine amino acid residue is found in multiple mammalian species, which suggests that this missense change does not adversely affect protein function. In summary, the available evidence is currently insufficient to determine the role of this variant in disease. Therefore, it has been classified as a Variant of Uncertain Significance.

NM_001042424.3(NSD2):c.4025C>T (p.Pro1342Leu)

Gene: NSD2 (nuclear receptor binding SET domain protein 2; plus strand). Cytogenetic location: 4p16.3.
Variant type: single nucleotide variant.
Coding change: c.4025C>T on transcript NM_001042424.3 (MANE Select); coding-DNA position 4025, C replaced by T.
Protein change: p.Pro1342Leu; replaces proline 1342 with leucine.
Molecular consequence: missense variant.
Genome position (GRCh38, 1-based): chr4:1,978,836, C>T. VCF-style: chr4-1978836-C-T. GRCh37 (hg19) VCF-style: chr4-1980563-C-T.
Other names: c.4025C>T, p.Pro1342Leu (NM_133330.3, NM_133331.3, NM_133335.4); c.4025C>T (NM_133330.2); short protein forms P1342L.
Identifiers: ClinVar variation 2717126 (VCV002717126.4), dbSNP rs201619712, ClinGen allele CA2812947.
Genomic context (GRCh38, chr4:1,978,836, plus strand): 5'-ACTGCTGTGAGCATGACTTAGGGGCGGCATCGGTCAGAAGCACCAAGACTGAGAAGCCCC[C>T]CCCAGAGCCAGGGAAGCCGAAGGGGAAGAGGCGGCGGCGGAGGGGCTGGCGGAGAGTCAC-3'
Protein context (NP_001035889.1, residues 1332-1352): SVRSTKTEKP[Pro1342Leu]PEPGKPKGKR